The following is an entry in ClinVar:

NM_015972.4(POLR1D):c.329T>C (p.Val110Ala)

Genes: POLR1D (RNA polymerase I and III subunit D; plus strand), LOC147380392 (uncharacterized LOC147380392; plus strand). Cytogenetic location: 13q12.2.
Variant type: single nucleotide variant.
Coding change: c.329T>C on transcript NM_015972.4 (MANE Select); coding-DNA position 329, T replaced by C.
Protein change: p.Val110Ala; replaces valine 110 with alanine.
Molecular consequence: missense variant. On other transcripts: intron variant (2).
Genome position (GRCh38, 1-based): chr13:27,623,177, T>C. VCF-style: chr13-27623177-T-C. GRCh37 (hg19) VCF-style: chr13-28197314-T-C.
Other names: c.329T>C, p.Val110Ala (NM_001374407.1); c.-59+2037T>C (NM_001206559.2); c.26+1168T>C (NM_152705.3); short protein forms V110A.
Identifiers: ClinVar variation 1697036 (VCV001697036.12), dbSNP rs138256149, ClinGen allele CA6927296.

ClinVar aggregate classification (germline): Conflicting classifications of pathogenicity. Review status: criteria provided, conflicting classifications (1 of 4 stars). 4 submissions from 4 submitters: Uncertain significance (2); Likely benign (2). Last evaluated 2026-08-28.

Conditions:
Treacher Collins syndrome 2 (TCS2). Also called: POLR1D-Related Treacher Collins Syndrome; TREACHER COLLINS SYNDROME 2, AUTOSOMAL RECESSIVE. Identifiers: Orphanet 861, MedGen C3150983, MONDO:0013385, OMIM 613717.
POLR1D-related disorder. Also called: POLR1D-related condition.

Allele frequency attached by ClinVar (database versions not stated): gnomAD exomes 0.00009 and 0.00021; ExAC 0.00018; 1000 Genomes Project 30x 0.00031; 1000 Genomes Project 0.00040; gnomAD 0.00085 and 0.00093; ESP Exome Variant Server 0.00092; TOPMed 0.00092.
gnomAD v4.1: 257 of 1,614,150 alleles (0.016%); highest among the groups gnomAD compares: African/African-American, 0.3%; no homozygotes.

Submissions (4):

GeneDx
Classification: Uncertain significance. Last evaluated: 2026-08-28. Review status: criteria provided, single submitter. Criteria: GeneDx Variant Classification Process June 2021. Collection method: clinical testing. Allele origin: germline.
Comment: In silico analysis supports that this missense variant has a deleterious effect on protein structure/function; Has not been previously published as pathogenic or benign in association with POLR1D-related disorder to our knowledge

Labcorp Genetics (formerly Invitae), Labcorp
Classification: Likely benign. Last evaluated: 2025-10-25. Review status: criteria provided, single submitter. Criteria: Invitae Variant Classification Sherloc (09022015). Collection method: clinical testing. Allele origin: germline.

PreventionGenetics, part of Exact Sciences
Classification: Likely benign for POLR1D-related condition. Last evaluated: 2025-06-25. Review status: criteria provided, single submitter. Criteria: ACMG Guidelines, 2015. Collection method: clinical testing. Allele origin: germline.
Comment: This variant is classified as likely benign based on ACMG/AMP sequence variant interpretation guidelines (Richards et al. 2015 PMID: 25741868, with internal and published modifications).

Baylor Genetics
Classification: Uncertain significance for Treacher Collins syndrome 2. Last evaluated: 2024-01-19. Review status: criteria provided, single submitter. Criteria: ACMG Guidelines, 2015. Collection method: clinical testing. Allele origin: unknown.